The following is an entry in ClinVar:

ClinVar aggregate classification (germline): Uncertain significance (1 of 4 stars; one submission).

Conditions:
Hereditary breast ovarian cancer syndrome. Also called: Hereditary breast and ovarian cancer syndrome (HBOC); BRCA1- and BRCA2-Associated Hereditary Breast and Ovarian Cancer; Breast and ovarian cancer; Hereditary breast and ovarian cancer; Hereditary breast and ovarian cancer syndrome; Hereditary breast and/or ovarian cancer syndrome. Identifiers: Orphanet 145, MedGen C0677776, MeSH D061325, MONDO:0003582. Disease mechanism: loss of function.

Submission:

Labcorp Genetics (formerly Invitae), Labcorp
Classification: Uncertain significance for Hereditary breast ovarian cancer syndrome. Last evaluated: 2025-01-17. Review status: criteria provided, single submitter. Criteria: Invitae Variant Classification Sherloc (09022015). Collection method: clinical testing. Allele origin: germline.
Comment: This sequence change replaces leucine, which is neutral and non-polar, with serine, which is neutral and polar, at codon 431 of the BRCA1 protein (p.Leu431Ser). This variant is not present in population databases (gnomAD no frequency). This variant has not been reported in the literature in individuals affected with BRCA1-related conditions. Invitae Evidence Modeling of protein sequence and biophysical properties (such as structural, functional, and spatial information, amino acid conservation, physicochemical variation, residue mobility, and thermodynamic stability) indicates that this missense variant is not expected to disrupt BRCA1 protein function with a negative predictive value of 80%. In summary, the available evidence is currently insufficient to determine the role of this variant in disease. Therefore, it has been classified as a Variant of Uncertain Significance.

NM_007294.4(BRCA1):c.1292T>C (p.Leu431Ser)

Gene: BRCA1 (BRCA1 DNA repair associated; minus strand). Cytogenetic location: 17q21.31.
Variant type: single nucleotide variant.
Coding change: c.1292T>C on transcript NM_007294.4 (MANE Select); coding-DNA position 1292, T replaced by C.
Protein change: p.Leu431Ser; replaces leucine 431 with serine.
Molecular consequence: missense variant. On other transcripts: intron variant (137).
Genome position (GRCh38, 1-based): chr17:43,094,239, A>G on the plus strand (T>C on the coding strand, the complement: BRCA1 is on the minus strand). VCF-style: chr17-43094239-A-G. GRCh37 (hg19) VCF-style: chr17-41246256-A-G.
Other names: c.1079T>C, p.Leu360Ser (NM_001407571.1, NM_001407853.1, NM_001407894.1 and 9 more transcripts); c.1292T>C, p.Leu431Ser (NM_001407581.1, NM_001407582.1, NM_001407583.1 and 30 more transcripts); c.1289T>C, p.Leu430Ser (NM_001407587.1, NM_001407590.1, NM_001407591.1 and 22 more transcripts); c.1283T>C, p.Leu428Ser (NM_001407646.1, NM_001407647.1); c.1169T>C, p.Leu390Ser (NM_001407648.1, NM_001407664.1, NM_001407665.1 and 19 more transcripts); c.1166T>C, p.Leu389Ser (NM_001407649.1, NM_001407670.1, NM_001407671.1 and 11 more transcripts); c.1214T>C, p.Leu405Ser (NM_001407653.1, NM_001407654.1, NM_001407655.1 and 4 more transcripts); c.1211T>C, p.Leu404Ser (NM_001407659.1, NM_001407660.1, NM_001407661.1 and 1 more transcripts); and 40 more; short protein forms L263S, L303S, L384S, L404S, L135S, L342S, L361S, L383S.
Identifiers: ClinVar variation 3684905 (VCV003684905.2).